The following is an entry in ClinVar:

ClinVar aggregate classification (germline): Likely benign (0 of 4 stars; one submission).

Conditions:
NCOR2-related disorder. Also called: NCOR2-related condition.

Allele frequency attached by ClinVar (database versions not stated): 1000 Genomes Project 30x 0.00031; ExAC 0.00039; 1000 Genomes Project 0.00040; ESP Exome Variant Server 0.00047; gnomAD 0.00048; gnomAD exomes 0.00050; TOPMed 0.00073.
gnomAD v4.1: 834 of 1,614,136 alleles (0.052%); highest among the groups gnomAD compares: Middle Eastern, 0.69%; 1 homozygote.

Submission:

PreventionGenetics, part of Exact Sciences
Classification: Likely benign for NCOR2-related condition. Last evaluated: 2019-02-27. Review status: no assertion criteria provided. Collection method: clinical testing. Allele origin: germline.
Comment: This variant is classified as likely benign based on ACMG/AMP sequence variant interpretation guidelines (Richards et al. 2015 PMID: 25741868, with internal and published modifications).

NM_006312.6(NCOR2):c.1611G>A (p.Glu537=)

Gene: NCOR2 (nuclear receptor corepressor 2; minus strand). Cytogenetic location: 12q24.31.
Variant type: single nucleotide variant.
Coding change: c.1611G>A on transcript NM_006312.6 (MANE Select); coding-DNA position 1611, G replaced by A.
Protein change: p.Glu537=; no amino-acid change (glutamic acid 537 retained).
Molecular consequence: synonymous variant.
Genome position (GRCh38, 1-based): chr12:124,402,433, C>T on the plus strand (G>A on the coding strand, the complement: NCOR2 is on the minus strand). VCF-style: chr12-124402433-C-T. GRCh37 (hg19) VCF-style: chr12-124886979-C-T.
Other names: c.1608G>A, p.Glu536= (NM_001077261.4, NM_001206654.2).
Identifiers: ClinVar variation 3055772 (VCV003055772.2), dbSNP rs202047482, ClinGen allele CA6869441.